The following is an entry in ClinVar:

ClinVar aggregate classification (germline): Uncertain significance (1 of 4 stars; one submission).

gnomAD v4.1: 3 of 1,612,978 alleles (0.00019%); highest among the groups gnomAD compares: Admixed American, 0.0017%; no homozygotes.

Submission:

Labcorp Genetics (formerly Invitae), Labcorp
Classification: Uncertain significance. Last evaluated: 2023-07-22. Review status: criteria provided, single submitter. Criteria: Invitae Variant Classification Sherloc (09022015). Collection method: clinical testing. Allele origin: germline.
Comment: In summary, the available evidence is currently insufficient to determine the role of this variant in disease. Therefore, it has been classified as a Variant of Uncertain Significance. An algorithm developed to predict the effect of missense changes on protein structure and function (PolyPhen-2) suggests that this variant is likely to be tolerated. This variant has not been reported in the literature in individuals affected with ADAMTS17-related conditions. The frequency data for this variant in the population databases is considered unreliable, as metrics indicate poor data quality at this position in the gnomAD database. This sequence change replaces histidine, which is basic and polar, with glutamine, which is neutral and polar, at codon 581 of the ADAMTS17 protein (p.His581Gln).

NM_139057.4(ADAMTS17):c.1743C>G (p.His581Gln)

Gene: ADAMTS17 (ADAM metallopeptidase with thrombospondin type 1 motif 17; minus strand). Cytogenetic location: 15q26.3.
Variant type: single nucleotide variant.
Coding change: c.1743C>G on transcript NM_139057.4 (MANE Select); coding-DNA position 1743, C replaced by G.
Protein change: p.His581Gln; replaces histidine 581 with glutamine.
Molecular consequence: missense variant.
Genome position (GRCh38, 1-based): chr15:100,116,992, G>C on the plus strand (C>G on the coding strand, the complement: ADAMTS17 is on the minus strand). VCF-style: chr15-100116992-G-C. GRCh37 (hg19) VCF-style: chr15-100657197-G-C.
Other names: short protein forms H581Q.
Identifiers: ClinVar variation 2745887 (VCV002745887.3), dbSNP rs1297157314, ClinGen allele CA393933429.